The following is an entry in ClinVar:

NM_000260.4(MYO7A):c.1205T>C (p.Ile402Thr)

Gene: MYO7A (myosin VIIA; plus strand). Cytogenetic location: 11q13.5.
Variant type: single nucleotide variant.
Coding change: c.1205T>C on transcript NM_000260.4 (MANE Select); coding-DNA position 1205, T replaced by C.
Protein change: p.Ile402Thr; replaces isoleucine 402 with threonine.
Molecular consequence: missense variant.
Genome position (GRCh38, 1-based): chr11:77,160,977, T>C. VCF-style: chr11-77160977-T-C. GRCh37 (hg19) VCF-style: chr11-76872023-T-C.
Other names: c.1205T>C, p.Ile402Thr (NM_001127180.2); c.1172T>C, p.Ile391Thr (NM_001369365.1); c.1205T>C (NM_000260.3); short protein forms I402T, I391T.
Identifiers: ClinVar variation 1375441 (VCV001375441.9), dbSNP rs782200577, ClinGen allele CA224830848.

ClinVar aggregate classification (germline): Uncertain significance. Review status: criteria provided, multiple submitters, no conflicts (2 of 4 stars). 3 submissions from 3 submitters: Uncertain significance (3). Last evaluated 2024-10-15.

Allele frequency attached by ClinVar (database versions not stated): gnomAD exomes below 0.00001; TOPMed below 0.00001.
gnomAD v4.1: 2 of 1,600,544 alleles (0.00012%); highest among the groups gnomAD compares: Non-Finnish European, 0.00017%; no homozygotes.

Submissions (3):

Labcorp Genetics (formerly Invitae), Labcorp
Classification: Uncertain significance. Last evaluated: 2024-10-15. Review status: criteria provided, single submitter. Criteria: Invitae Variant Classification Sherloc (09022015). Collection method: clinical testing. Allele origin: germline.
Comment: This sequence change replaces isoleucine, which is neutral and non-polar, with threonine, which is neutral and polar, at codon 402 of the MYO7A protein (p.Ile402Thr). This variant is not present in population databases (gnomAD no frequency). This variant has not been reported in the literature in individuals affected with MYO7A-related conditions. ClinVar contains an entry for this variant (Variation ID: 1375441). Invitae Evidence Modeling of protein sequence and biophysical properties (such as structural, functional, and spatial information, amino acid conservation, physicochemical variation, residue mobility, and thermodynamic stability) indicates that this missense variant is not expected to disrupt MYO7A protein function with a negative predictive value of 95%. In summary, the available evidence is currently insufficient to determine the role of this variant in disease. Therefore, it has been classified as a Variant of Uncertain Significance.

GeneDx
Classification: Uncertain significance. Last evaluated: 2023-10-17. Review status: criteria provided, single submitter. Criteria: GeneDx Variant Classification Process June 2021. Collection method: clinical testing. Allele origin: germline. Affected: yes.
Comment: Not observed at significant frequency in large population cohorts (gnomAD); In silico analysis supports that this missense variant has a deleterious effect on protein structure/function; Has not been previously published as pathogenic or benign to our knowledge

Blueprint Genetics
Classification: Uncertain significance. Last evaluated: 2022-09-09. Review status: criteria provided, single submitter. Criteria: ACMG Guidelines, 2015. Collection method: clinical testing. Allele origin: germline.